The following is an entry in ClinVar:

ClinVar aggregate classification (germline): Conflicting classifications of pathogenicity. Review status: criteria provided, conflicting classifications (1 of 4 stars). 2 submissions from 2 submitters: Uncertain significance (1); Likely benign (1). Last evaluated 2025-01-15.

gnomAD v4.1: 7 of 1,604,088 alleles (0.00044%); highest among the groups gnomAD compares: Non-Finnish European, 0.00043%; no homozygotes.

Submissions (2):

Women's Health and Genetics/Laboratory Corporation of America, LabCorp
Classification: Uncertain significance. Last evaluated: 2025-01-15. Review status: criteria provided, single submitter. Criteria: LabCorp Variant Classification Summary - May 2015. Collection method: clinical testing. Allele origin: germline.
Comment: Variant summary: CHD1 c.4577-6T>C alters a non-conserved nucleotide located close to a canonical splice site and therefore could affect mRNA splicing, leading to a significantly altered protein sequence. Consensus agreement among computation tools predict no significant impact on normal splicing. However, these predictions have yet to be confirmed by functional studies. The variant allele was found at a frequency of 4e-06 in 249328 control chromosomes. The available data on variant occurrences in the general population are insufficient to allow any conclusion about variant significance. To our knowledge, no occurrence of c.4577-6T>C in individuals affected with Pilarowski-Bjornsson Syndrome and no experimental evidence demonstrating its impact on protein function have been reported. No submitters have cited clinical-significance assessments for this variant to ClinVar. Based on the evidence outlined above, the variant was classified as uncertain significance.

Blueprint Genetics
Classification: Likely benign. Last evaluated: 2024-11-13. Review status: criteria provided, single submitter. Criteria: ACMG Guidelines, 2015. Collection method: clinical testing. Allele origin: germline.

NM_001270.4(CHD1):c.4577-6T>C

Gene: CHD1 (chromodomain helicase DNA binding protein 1; minus strand). Cytogenetic location: 5q15.
Variant type: single nucleotide variant.
Coding change: c.4577-6T>C on transcript NM_001270.4 (MANE Select); 6 bases into the intron before coding-DNA position 4577, T replaced by C.
Molecular consequence: intron variant.
Genome position (GRCh38, 1-based): chr5:98,858,396, A>G on the plus strand (T>C on the coding strand, the complement: CHD1 is on the minus strand). VCF-style: chr5-98858396-A-G. GRCh37 (hg19) VCF-style: chr5-98194100-A-G.
Other names: c.4577-6T>C (NM_001376194.2); c.4841-6T>C (NM_001364113.3).
Identifiers: ClinVar variation 3769083 (VCV003769083.3).